The following is an entry in ClinVar:

NM_000545.8(HNF1A):c.864delinsCC (p.Gly292fs)

Gene: HNF1A (HNF1 homeobox A; plus strand). Cytogenetic location: 12q24.31.
Variant type: Indel.
Coding change: c.864delinsCC on transcript NM_000545.8 (MANE Select); coding-DNA position 864, G replaced by CC.
Protein change: p.Gly292fs; shifts the reading frame from glycine 292.
Molecular consequence: frameshift variant.
Genome position (GRCh38, 1-based): chr12:120,994,314, G replaced by CC. VCF-style: chr12-120994314-G-CC. GRCh37 (hg19) VCF-style: chr12-121432117-G-CC.
Other names: c.864delinsCC, p.Gly292fs (NM_001306179.2); c.864delGinsCC (NM_000545.5, NM_000545.8); c.864delinsCC (NM_000545.6); short protein forms G292fs.
Identifiers: ClinVar variation 817605 (VCV000817605.18), dbSNP rs1593058932, ClinGen allele CA913185956.

ClinVar aggregate classification (germline): Pathogenic/Likely pathogenic. Review status: criteria provided, multiple submitters, no conflicts (2 of 4 stars). 12 submissions from 12 submitters: Pathogenic (11); Likely pathogenic (1). Last evaluated 2026-03-09.

Conditions:
Monogenic diabetes. Identifiers: Orphanet 183625, MedGen C3888631, MONDO:0015967.
Maturity-onset diabetes of the young (MODY). Also called: Maturity onset diabetes mellitus in young. Identifiers: Orphanet 552, MedGen C0342276, MONDO:0018911, HP:0004904.
Type 1 diabetes mellitus 20 (T1D20). Also called: Diabetes mellitus, insulin-dependent, 20. Identifiers: MedGen C2675866, MONDO:0012919, OMIM 612520.
Maturity-onset diabetes of the young type 3. Also called: MODY, type III; MODY type 3. Identifiers: Orphanet 552, MedGen C1838100, MeSH C563933, MONDO:0010894, OMIM 600496. Disease mechanism: loss of function.
Type 2 diabetes mellitus. Also called: Type II diabetes mellitus. Identifiers: MedGen C0011860, MeSH D003924, MONDO:0005148, OMIM 125853, HP:0005978.
Diabetes mellitus type 1 (T1D). Also called: Type I diabetes mellitus; Diabetes Mellitus, Juvenile-Onset. Identifiers: MedGen C0011854, MONDO:0005147, OMIM 222100, HP:0100651.
Hepatic adenomas, familial. Also called: HEPATIC ADENOMA, SOMATIC; LIVER CELL ADENOMAS, FAMILIAL. Identifiers: MedGen C1840646, MONDO:0007718, OMIM 142330.
Nonpapillary renal cell carcinoma. Identifiers: Orphanet 422526, MedGen CN074294, MONDO:0007763, OMIM 144700.
HNF1A-related disorder. Also called: HNF1A-related condition.

Submissions 1 to 8 of 12:

PreventionGenetics, part of Exact Sciences
Classification: Pathogenic for HNF1A-related condition. Last evaluated: 2026-03-09. Review status: criteria provided, single submitter. Criteria: ACMG Guidelines, 2015. Collection method: clinical testing. Allele origin: germline.
Comment: The HNF1A c.864delinsCC variant is predicted to result in a frameshift and premature protein termination (p.Gly292Argfs*25). This variant has been reported to be causative for maturity-onset diabetes of the young (MODY), type III (Wheeler et al. 2013. PubMed ID: 24355479; Supplemental Table 1, Ji et al. 2019. PubMed ID: 30755392; Yalçıntepe et al. 2021. PubMed ID: 33565752). This variant has not been reported in a large population database, indicating this variant is rare. Frameshift variants in HNF1A are expected to be pathogenic. This variant is interpreted as pathogenic.

Labcorp Genetics (formerly Invitae), Labcorp
Classification: Pathogenic. Last evaluated: 2025-12-21. Review status: criteria provided, single submitter. Criteria: Invitae Variant Classification Sherloc (09022015). Collection method: clinical testing. Allele origin: germline.
Comment: This sequence change creates a premature translational stop signal (p.Gly292Argfs*25) in the HNF1A gene. It is expected to result in an absent or disrupted protein product. Loss-of-function variants in HNF1A are known to be pathogenic (PMID: 15928245, 18003757). Information on the frequency of this variant in the gnomAD database is not available, as this variant may be reported differently in the database. This premature translational stop signal has been observed in individual(s) with maturity-onset diabetes of the young (PMID: 24355479). Invitae Evidence Modeling of clinical and family history, age, sex, and reported ancestry of multiple individuals with this HNF1A variant has been performed. This variant is expected to be pathogenic with a positive predictive value of at least 99%. This is a validated machine learning model that incorporates the clinical features of 42,750 individuals referred to our laboratory for HNF1A testing. ClinVar contains an entry for this variant (Variation ID: 1328238). For these reasons, this variant has been classified as Pathogenic.

ARUP Laboratories, Molecular Genetics and Genomics, ARUP Laboratories
Classification: Pathogenic. Last evaluated: 2025-06-17. Review status: criteria provided, single submitter. Criteria: ARUP Molecular Germline Variant Investigation Process 2024. Collection method: clinical testing. Allele origin: germline.
Comment: The HNF1A c.864delinsCC; p.Gly292ArgfsTer25 variant (rs1593058932) is reported in the literature in individuals affected with MODY (Ji 2019, Wheeler 2013, Yalcintepe 2021). This variant results in the same amino acid frameshift as a different well-characterized pathogenic variant also associated with MODY, c.872dupC; p.Gly292ArgfsTer25 (Ellard 2000, Estalella 2007, Johnson 2018, Pavic 2018, Yamagata 1996). The c.864delinsCC variant is reported in ClinVar (Variation ID: 817605) and is absent from the Genome Aggregation Database, indicating it is not a common polymorphism. This variant causes a frameshift by deleting a single nucleotide and inserting two nucleotides, so it is predicted to result in a truncated protein or mRNA subject to nonsense-mediated decay. Based on available information, the c.864delinsCC variant is considered to be pathogenic. References: Ellard S. Hepatocyte nuclear factor 1 alpha (HNF-1 alpha) mutations in maturity-onset diabetes of the young. Hum Mutat. 2000 Nov;16(5):377-85. PMID: 11058894. Estalella I et al. Mutations in GCK and HNF-1alpha explain the majority of cases with clinical diagnosis of MODY in Spain. Clin Endocrinol (Oxf). 2007 Oct;67(4):538-46. PMID: 17573900. Ji J et al. A semiautomated whole-exome sequencing workflow leads to increased diagnostic yield and identification of novel candidate variants. Cold Spring Harb Mol Case Stud. 2019 Apr 1;5(2):a003756. PMID: 30755392. Johnson SR et al. Whole-exome sequencing for mutation detection in pediatric disorders of insulin secretion: Maturity onset diabetes of the young and congenital hyperinsulinism. Pediatr Diabetes. 2018 Jun;19(4):656-662. PMID: 29417725. Pavic T et al. Maturity onset diabetes of the young due to HNF1A variants in Croatia. Biochem Med (Zagreb). 2018 Jun 15;28(2):020703. PMID: 29666556. Wheeler BJ et al. Frequency and genetic spectrum of maturity-onset diabetes of the young (MODY) in southern New Zealand. J Diabetes Metab Disord. 2013 Dec 19;12(1):46. PMID: 24355479. Yamagata K et al. Mutations in the hepatocyte nuclear factor-1alpha gene in maturity-onset diabetes of the young (MODY3). Nature. 1996 Dec 5;384(6608):455-8. PMID: 8945470. Yalcintepe S et al. The Application of Next Generation Sequencing Maturity Onset Diabetes of the Young Gene Panel in Turkish Patients from Trakya Region. J Clin Res Pediatr Endocrinol. 2021 Aug 23;13(3):320-331. PMID: 33565752.

Ambry Genetics
Classification: Pathogenic for Maturity-onset diabetes of the young. Last evaluated: 2025-01-23. Review status: criteria provided, single submitter. Criteria: Ambry Variant Classification Scheme 2023. Collection method: clinical testing. Allele origin: germline.
Comment: The c.864delGinsCC (p.G292Rfs*25) alteration, located in exon 4 (coding exon 4) of the HNF1A gene, consists of an deletion of 1 and insertion of 2 nucleotides causing a translational frameshift at position 864 with a predicted alternate stop codon after 25 amino acids. This alteration is expected to result in loss of function by premature protein truncation or nonsense-mediated mRNA decay. This variant was reported in individuals with features consistent with maturity-onset diabetes of the young (Wheeler, 2013; Yal&ccedil;ntepe, 2021). Based on the available evidence, this alteration is classified as pathogenic.

Genetics Department, Catlab
Classification: Pathogenic for Maturity-onset diabetes of the young type 3. Last evaluated: 2025-01-07. Review status: criteria provided, single submitter. Criteria: ACMG Guidelines, 2015. Collection method: clinical testing. Allele origin: germline. Affected: yes. Observed: 1 variant allele.
Comment: The c.864delinsCC variant in the HNF1A gene is a loss of function variant predicted to undergo nonsense mediated decay, and loss of function variants have been described as a causing mechanism for the gene (PVS1). The variant is absent from the gnomAD database (PM2) and has been previously reported in MODY patients (PMID: 24355479;33565752;9166684) (PS4_moderate). With all the available evidence, the variant is classified as pathogenic.

Genomics Laboratory, Virgen de la Arrixaca University Clinical Hospital
Classification: Pathogenic for Maturity-onset diabetes of the young type 3. Last evaluated: 2024-11-14. Review status: criteria provided, single submitter. Criteria: ACMG Guidelines, 2015. Collection method: clinical testing. Allele origin: de novo. Affected: yes. Observed: 1 variant allele.

Women's Health and Genetics/Laboratory Corporation of America, LabCorp
Classification: Pathogenic for Maturity-onset diabetes of the young. Last evaluated: 2024-05-28. Review status: criteria provided, single submitter. Criteria: LabCorp Variant Classification Summary - May 2015. Collection method: clinical testing. Allele origin: germline.
Comment: Variant summary: HNF1A c.864delinsCC (p.Gly292ArgfsX25) results in a premature termination codon, predicted to cause absence of the protein due to nonsense mediated decay, which is a commonly known mechanism for disease. The variant was absent in 259326 control chromosomes (gnomAD). c.864delinsCC has been reported in the literature in individuals affected with Maturity Onset Diabetes Of The Young 3 (e.g. Yalcintepe_2021). The following publication has been ascertained in the context of this evaluation (PMID: 33565752). ClinVar contains an entry for this variant (Variation ID: 817605). Based on the evidence outlined above, the variant was classified as pathogenic.

Fulgent Genetics
Classification: Pathogenic for Type 2 diabetes mellitus; Hepatic adenomas, familial; Nonpapillary renal cell carcinoma; Diabetes mellitus type 1; Maturity-onset diabetes of the young type 3; Type 1 diabetes mellitus 20. Last evaluated: 2024-05-25. Review status: criteria provided, single submitter. Criteria: ACMG Guidelines, 2015. Collection method: clinical testing. Allele origin: germline.